The following is an entry in ClinVar:

ClinVar aggregate classification (germline): Uncertain significance (1 of 4 stars; one submission).

Conditions:
Noonan syndrome 9 (NS9). Identifiers: Orphanet 648, MedGen C4225282, MONDO:0014691, OMIM 616559.

Submission:

Labcorp Genetics (formerly Invitae), Labcorp
Classification: Uncertain significance for Noonan syndrome 9. Last evaluated: 2022-08-27. Review status: criteria provided, single submitter. Criteria: Invitae Variant Classification Sherloc (09022015). Collection method: clinical testing. Allele origin: germline.
Comment: In summary, the available evidence is currently insufficient to determine the role of this variant in disease. Therefore, it has been classified as a Variant of Uncertain Significance. Advanced modeling of protein sequence and biophysical properties (such as structural, functional, and spatial information, amino acid conservation, physicochemical variation, residue mobility, and thermodynamic stability) performed at Invitae indicates that this missense variant is not expected to disrupt SOS2 protein function. This variant has not been reported in the literature in individuals affected with SOS2-related conditions. This variant is not present in population databases (gnomAD no frequency). This sequence change replaces histidine, which is basic and polar, with tyrosine, which is neutral and polar, at codon 321 of the SOS2 protein (p.His321Tyr).

NM_006939.4(SOS2):c.961C>T (p.His321Tyr)

Gene: SOS2 (SOS Ras/Rho guanine nucleotide exchange factor 2; minus strand). Cytogenetic location: 14q21.3.
Variant type: single nucleotide variant.
Coding change: c.961C>T on transcript NM_006939.4 (MANE Select); coding-DNA position 961, C replaced by T.
Protein change: p.His321Tyr; replaces histidine 321 with tyrosine.
Molecular consequence: missense variant.
Genome position (GRCh38, 1-based): chr14:50,180,580, G>A on the plus strand (C>T on the coding strand, the complement: SOS2 is on the minus strand). VCF-style: chr14-50180580-G-A. GRCh37 (hg19) VCF-style: chr14-50647298-G-A.
Other names: c.961C>T, p.His321Tyr (NM_001411020.1); short protein forms H321Y.
Identifiers: ClinVar variation 1718090 (VCV001718090.6), dbSNP rs2503093206, ClinGen allele CA389646916.